The following is an entry in ClinVar:

NM_001365999.1(SZT2):c.2281C>T (p.Arg761Trp)

Gene: SZT2 (SZT2 subunit of KICSTOR complex; plus strand). Cytogenetic location: 1p34.2.
Variant type: single nucleotide variant.
Coding change: c.2281C>T on transcript NM_001365999.1 (MANE Select); coding-DNA position 2281, C replaced by T.
Protein change: p.Arg761Trp; replaces arginine 761 with tryptophan.
Molecular consequence: missense variant.
Genome position (GRCh38, 1-based): chr1:43,424,242, C>T. VCF-style: chr1-43424242-C-T. GRCh37 (hg19) VCF-style: chr1-43889913-C-T.
Other names: c.2281C>T, p.Arg761Trp (NM_015284.4); short protein forms R761W.
Identifiers: ClinVar variation 1009906 (VCV001009906.8), dbSNP rs377583230, ClinGen allele CA340012212.

ClinVar aggregate classification (germline): Uncertain significance (1 of 4 stars; one submission).

Allele frequency attached by ClinVar (database versions not stated): gnomAD 0.00001; TOPMed 0.00001.
gnomAD v4.1: 17 of 1,597,638 alleles (0.0011%); highest among the groups gnomAD compares: East Asian, 0.0022%; no homozygotes.

Submission:

Labcorp Genetics (formerly Invitae), Labcorp
Classification: Uncertain significance. Last evaluated: 2023-06-27. Review status: criteria provided, single submitter. Criteria: Invitae Variant Classification Sherloc (09022015). Collection method: clinical testing. Allele origin: germline.
Comment: This sequence change replaces arginine, which is basic and polar, with tryptophan, which is neutral and slightly polar, at codon 761 of the SZT2 protein (p.Arg761Trp). This variant is present in population databases (no rsID available, gnomAD 0.005%). This variant has not been reported in the literature in individuals affected with SZT2-related conditions. ClinVar contains an entry for this variant (Variation ID: 1009906). Advanced modeling of protein sequence and biophysical properties (such as structural, functional, and spatial information, amino acid conservation, physicochemical variation, residue mobility, and thermodynamic stability) has been performed at Invitae for this missense variant, however the output from this modeling did not meet the statistical confidence thresholds required to predict the impact of this variant on SZT2 protein function. In summary, the available evidence is currently insufficient to determine the role of this variant in disease. Therefore, it has been classified as a Variant of Uncertain Significance.